The following is an entry in ClinVar:

ClinVar aggregate classification (germline): Uncertain significance (1 of 4 stars; one submission).

Conditions:
PLEKHG5-related disorder. Also called: PLEKHG5-related condition.

gnomAD v4.1: 13 of 1,609,220 alleles (0.00081%); highest among the groups gnomAD compares: East Asian, 0.0022%; no homozygotes.

Submission:

PreventionGenetics, part of Exact Sciences
Classification: Uncertain significance for PLEKHG5-related condition. Last evaluated: 2026-05-01. Review status: criteria provided, single submitter. Criteria: ACMG Guidelines, 2015. Collection method: clinical testing. Allele origin: germline.
Comment: The PLEKHG5 c.187C>T variant is predicted to result in the amino acid substitution p.Arg63Trp. To our knowledge, this variant has not been reported in the literature. This variant is reported in 0.0055% of alleles in individuals of East Asian descent in gnomAD. At this time, the clinical significance of this variant is uncertain due to the absence of conclusive functional and genetic evidence.

NM_020631.6(PLEKHG5):c.-51C>T

Genes: PLEKHG5 (pleckstrin homology and RhoGEF domain containing G5; minus strand), LOC126805598 (MED14-independent group 3 enhancer GRCh37_chr1:6536823-6538022; plus strand). Cytogenetic location: 1p36.31.
Variant type: single nucleotide variant.
Coding change: c.-51C>T on transcript NM_020631.6 (MANE Select); 51 bases upstream of the start codon, C replaced by T.
Molecular consequence: 5 prime UTR variant. On other transcripts: missense variant (3).
Genome position (GRCh38, 1-based): chr1:6,477,622, G>A on the plus strand (C>T on the coding strand, the complement: PLEKHG5 is on the minus strand). VCF-style: chr1-6477622-G-A. GRCh37 (hg19) VCF-style: chr1-6537682-G-A.
Other names: c.61C>T, p.Arg21Trp (NM_001042663.3, NM_001265592.2); c.-51C>T (NM_001042664.2, NM_001042665.2, NM_001265594.3 and 1 more transcripts); c.157C>T, p.Arg53Trp (NM_001265593.2); short protein forms R53W, R21W.
Identifiers: ClinVar variation 4986680 (VCV004986680.1).